The following is an entry in ClinVar:

NM_000152.5(GAA):c.2481+6T>C

Gene: GAA (alpha glucosidase; plus strand). Cytogenetic location: 17q25.3.
Variant type: single nucleotide variant.
Coding change: c.2481+6T>C on transcript NM_000152.5 (MANE Select); 6 bases into the intron after coding-DNA position 2481, T replaced by C.
Molecular consequence: intron variant.
Genome position (GRCh38, 1-based): chr17:80,117,755, T>C. VCF-style: chr17-80117755-T-C. GRCh37 (hg19) VCF-style: chr17-78091554-T-C.
Other names: c.2481+6T>C (LRG_673t1, NM_001079803.3, NM_001079804.3).
Identifiers: ClinVar variation 456405 (VCV000456405.4), dbSNP rs1479232207, ClinGen allele CA628018651.

ClinVar aggregate classification (germline): Uncertain significance (1 of 4 stars; one submission).

Conditions:
Glycogen storage disease, type II (IOPD). Also called: Glucosidase acid-1,4-alpha deficiency; Pompe Disease; POMPE DISEASE, INFANTILE-ONSET; GLYCOGEN STORAGE DISEASE II, INFANTILE-ONSET; ACID ALPHA-GLUCOSIDASE DEFICIENCY, INFANTILE-ONSET; GAA DEFICIENCY, INFANTILE-ONSET. Identifiers: Orphanet 365, MedGen C0017921, MONDO:0009290, OMIM 232300.

Allele frequency attached by ClinVar (database versions not stated): gnomAD exomes 0.00001.

Submission:

Labcorp Genetics (formerly Invitae), Labcorp
Classification: Uncertain significance for Glycogen storage disease, type II. Last evaluated: 2018-08-30. Review status: criteria provided, single submitter. Criteria: Invitae Variant Classification Sherloc (09022015). Collection method: clinical testing. Allele origin: germline.
Comment: This sequence change falls in intron 17 of the GAA gene. It does not directly change the encoded amino acid sequence of the GAA protein, but it affects a nucleotide within the consensus splice site of the intron. This variant is not present in population databases (ExAC no frequency). This variant has not been reported in the literature in individuals with GAA-related disease. ClinVar contains an entry for this variant (Variation ID:¬†456405). Nucleotide substitutions within the consensus splice site are a relatively common cause of aberrant splicing (PMID: 17576681, 9536098). Algorithms developed to predict the effect of sequence changes on RNA splicing suggest that this variant is not likely to affect RNA splicing, but this prediction has not been confirmed by published transcriptional studies. In summary, the available evidence is currently insufficient to determine the role of this variant in disease. Therefore, it has been classified as a Variant of Uncertain Significance.

Literature cited by the submitters: PubMed 17576681; PubMed 9536098.